The following is an entry in ClinVar:

ClinVar aggregate classification (germline): Uncertain significance (1 of 4 stars; one submission).

Conditions:
Familial hemophagocytic lymphohistiocytosis 5. Also called: STXBP2-Related Familial Hemophagocytic Lymphohistiocytosis (STXBP2-fHLH). Identifiers: Orphanet 540, MedGen C2751293, MONDO:0013135, OMIM 613101.

Allele frequency attached by ClinVar (database versions not stated): gnomAD exomes below 0.00001.
gnomAD v4.1: 4 of 1,614,018 alleles (0.00025%); highest among the groups gnomAD compares: Admixed American, 0.0033%; no homozygotes.

Submission:

Labcorp Genetics (formerly Invitae), Labcorp
Classification: Uncertain significance for Familial hemophagocytic lymphohistiocytosis 5. Last evaluated: 2021-09-01. Review status: criteria provided, single submitter. Criteria: Invitae Variant Classification Sherloc (09022015). Collection method: clinical testing. Allele origin: germline.
Comment: This sequence change replaces lysine with arginine at codon 23 of the STXBP2 protein (p.Lys23Arg). The lysine residue is highly conserved and there is a small physicochemical difference between lysine and arginine. This variant is not present in population databases (ExAC no frequency). This variant has not been reported in the literature in individuals affected with STXBP2-related conditions. Algorithms developed to predict the effect of missense changes on protein structure and function are either unavailable or do not agree on the potential impact of this missense change (SIFT: "Tolerated"; PolyPhen-2: "Probably Damaging"; Align-GVGD: "Class C0"). In summary, the available evidence is currently insufficient to determine the role of this variant in disease. Therefore, it has been classified as a Variant of Uncertain Significance.

NM_006949.4(STXBP2):c.68A>G (p.Lys23Arg)

Gene: STXBP2 (syntaxin binding protein 2; plus strand). Cytogenetic location: 19p13.2.
Variant type: single nucleotide variant.
Coding change: c.68A>G on transcript NM_006949.4 (MANE Select); coding-DNA position 68, A replaced by G.
Protein change: p.Lys23Arg; replaces lysine 23 with arginine.
Molecular consequence: missense variant. On other transcripts: non-coding transcript variant (1).
Genome position (GRCh38, 1-based): chr19:7,638,756, A>G. VCF-style: chr19-7638756-A-G. GRCh37 (hg19) VCF-style: chr19-7703642-A-G.
Other names: c.68A>G, p.Lys23Arg (NM_001127396.3, NM_001272034.2); short protein forms K23R.
Identifiers: ClinVar variation 1496617 (VCV001496617.5), dbSNP rs1401766158, ClinGen allele CA403155225.